The following is an entry in ClinVar:

NM_000441.2(SLC26A4):c.527T>C (p.Ile176Thr)

Gene: SLC26A4 (solute carrier family 26 member 4; plus strand). Cytogenetic location: 7q22.3.
Variant type: single nucleotide variant.
Coding change: c.527T>C on transcript NM_000441.2 (MANE Select); coding-DNA position 527, T replaced by C.
Protein change: p.Ile176Thr; replaces isoleucine 176 with threonine.
Molecular consequence: missense variant.
Genome position (GRCh38, 1-based): chr7:107,674,275, T>C. VCF-style: chr7-107674275-T-C. GRCh37 (hg19) VCF-style: chr7-107314720-T-C.
Other names: short protein forms I176T.
Identifiers: ClinVar variation 2577828 (VCV002577828.2), dbSNP rs201227619, ClinGen allele CA4432502.

ClinVar aggregate classification (germline): Uncertain significance (1 of 4 stars; one submission).

Allele frequency attached by ClinVar (database versions not stated): ExAC 0.00002; gnomAD exomes 0.00001; gnomAD 0.00001.

Submission:

GeneDx
Classification: Uncertain significance. Last evaluated: 2026-03-06. Review status: criteria provided, single submitter. Criteria: GeneDx Variant Classification Process June 2021. Collection method: clinical testing. Allele origin: germline.
Comment: In silico analysis suggests that this missense variant does not alter protein structure/function; Has not been previously published as pathogenic or benign to our knowledge